The following is an entry in ClinVar:

NM_003502.4(AXIN1):c.2186+5G>A

Gene: AXIN1 (axin 1; minus strand). Cytogenetic location: 16p13.3.
Variant type: single nucleotide variant.
Coding change: c.2186+5G>A on transcript NM_003502.4 (MANE Select); 5 bases into the intron after coding-DNA position 2186, G replaced by A.
Molecular consequence: intron variant.
Genome position (GRCh38, 1-based): chr16:293,483, C>T on the plus strand (G>A on the coding strand, the complement: AXIN1 is on the minus strand). VCF-style: chr16-293483-C-T. GRCh37 (hg19) VCF-style: chr16-343483-C-T.
Other names: c.2186+5G>A (NM_181050.3).
Identifiers: ClinVar variation 4280967 (VCV004280967.7).

ClinVar aggregate classification (germline): Uncertain significance (1 of 4 stars; one submission).

Submission:

CeGaT Center for Human Genetics Tuebingen
Classification: Uncertain significance. Last evaluated: 2025-09-01. Review status: criteria provided, single submitter. Criteria: CeGaT Center For Human Genetics Tuebingen Variant Classification Criteria Version 2. Collection method: clinical testing. Allele origin: germline. Affected: yes. Observed: 1 variant allele.
Comment: AXIN1: PM2, BP4